The following is an entry in ClinVar:

ClinVar aggregate classification (germline): Benign/Likely benign. Review status: criteria provided, multiple submitters, no conflicts (2 of 4 stars). 10 submissions from 10 submitters: Benign (4); Likely benign (6). Last evaluated 2026-06-01.

Conditions:
Ellis-van Creveld syndrome (EVC). Also called: Chondroectodermal dysplasia; MESOECTODERMAL DYSPLASIA. Identifiers: Orphanet 289, MedGen C0013903, MONDO:0009162, OMIM 225500.
Curry-Hall syndrome (WAD). Also called: WEYERS ACRODENTAL DYSOSTOSIS. Identifiers: Orphanet 952, MedGen C0457013, MONDO:0008673, OMIM 193530.

Allele frequency attached by ClinVar (database versions not stated): gnomAD 0.00220 and 0.00230; ESP Exome Variant Server 0.00223; gnomAD exomes 0.00234 and 0.00279; 1000 Genomes Project 0.00240; ExAC 0.00249; TOPMed 0.00275; 1000 Genomes Project 30x 0.00219.
gnomAD v4.1: 3,907 of 1,614,170 alleles (0.24%); highest among the groups gnomAD compares: Middle Eastern, 2.6%; 20 homozygotes.

Submissions (10):

CeGaT Center for Human Genetics Tuebingen
Classification: Likely benign. Last evaluated: 2026-06-01. Review status: criteria provided, single submitter. Criteria: CeGaT Center For Human Genetics Tuebingen Variant Classification Criteria Version 2. Collection method: clinical testing. Allele origin: germline. Affected: yes. Observed: 8 variant alleles.
Comment: EVC2: BP4, BP7, BS2

Women's Health and Genetics/Laboratory Corporation of America, LabCorp
Classification: Likely benign. Last evaluated: 2026-05-11. Review status: criteria provided, single submitter. Criteria: LabCorp Variant Classification Summary - May 2015. Collection method: clinical testing. Allele origin: germline.

Labcorp Genetics (formerly Invitae), Labcorp
Classification: Benign for Curry-Hall syndrome; Ellis-van Creveld syndrome. Last evaluated: 2026-02-02. Review status: criteria provided, single submitter. Criteria: Invitae Variant Classification Sherloc (09022015). Collection method: clinical testing. Allele origin: germline.

ARUP Laboratories, Molecular Genetics and Genomics, ARUP Laboratories
Classification: Benign. Last evaluated: 2025-06-24. Review status: criteria provided, single submitter. Criteria: ARUP Molecular Germline Variant Investigation Process 2024. Collection method: clinical testing. Allele origin: germline.

Blueprint Genetics
Classification: Likely benign. Last evaluated: 2024-11-21. Review status: criteria provided, single submitter. Criteria: ACMG Guidelines, 2015. Collection method: clinical testing. Allele origin: germline.

GeneDx
Classification: Benign. Last evaluated: 2017-08-09. Review status: criteria provided, single submitter. Criteria: GeneDx Variant Classification (06012015). Collection method: clinical testing. Allele origin: germline. Affected: yes.
Comment: This variant is considered likely benign or benign based on one or more of the following criteria: it is a conservative change, it occurs at a poorly conserved position in the protein, it is predicted to be benign by multiple in silico algorithms, and/or has population frequency not consistent with disease.

Illumina Laboratory Services, Illumina
Classification: Benign for Ellis-van Creveld syndrome. Last evaluated: 2017-04-27. Review status: criteria provided, single submitter. Criteria: ICSL Variant Classification Criteria 13 December 2019. Collection method: clinical testing. Allele origin: germline.
Comment: This variant was observed as part of a predisposition screen in an ostensibly healthy population. A literature search was performed for the gene, cDNA change, and amino acid change (where applicable). Publications were found based on this search. The evidence from the literature, in combination with allele frequency data from public databases where available, was sufficient to rule this variant out of causing disease. Therefore, this variant is classified as benign.

Eurofins Ntd Llc (ga)
Classification: Likely benign. Last evaluated: 2016-06-30. Review status: criteria provided, single submitter. Criteria: EGL Classification Definitions 2015. Collection method: clinical testing. Allele origin: germline. Observed: 6 variant alleles, 6 heterozygotes.

Breakthrough Genomics
Classification: Likely benign. Review status: criteria provided, single submitter. Criteria: ACMG Guidelines, 2015. Collection method: not provided. Allele origin: germline. Inheritance: Autosomal recessive inheritance. Affected: yes.

PreventionGenetics, part of Exact Sciences
Classification: Likely benign. Review status: criteria provided, single submitter. Criteria: ACMG Guidelines, 2015. Collection method: clinical testing. Allele origin: germline.

Literature cited by the submitters: PubMed 20184732 (cited by Illumina Laboratory Services, Illumina and Eurofins Ntd Llc (ga)).

NM_147127.5(EVC2):c.2151C>T (p.His717=)

Gene: EVC2 (EvC ciliary complex subunit 2; minus strand). Cytogenetic location: 4p16.2.
Variant type: single nucleotide variant.
Coding change: c.2151C>T on transcript NM_147127.5 (MANE Select); coding-DNA position 2151, C replaced by T.
Protein change: p.His717=; no amino-acid change (histidine 717 retained).
Molecular consequence: synonymous variant.
Genome position (GRCh38, 1-based): chr4:5,622,887, G>A on the plus strand (C>T on the coding strand, the complement: EVC2 is on the minus strand). VCF-style: chr4-5622887-G-A. GRCh37 (hg19) VCF-style: chr4-5624614-G-A.
Other names: c.1911C>T, p.His637= (NM_001166136.2).
Identifiers: ClinVar variation 194441 (VCV000194441.56), dbSNP rs144584049, ClinGen allele CA240394.